The following is an entry in ClinVar:

ClinVar aggregate classification (germline): Uncertain significance. Review status: criteria provided, multiple submitters, no conflicts (2 of 4 stars). 2 submissions from 2 submitters: Uncertain significance (2). Last evaluated 2025-10-07.

Conditions:
Inborn genetic diseases. Identifiers: MedGen C0950123, MeSH D030342.

Allele frequency attached by ClinVar (database versions not stated): gnomAD exomes below 0.00001.
gnomAD v4.1: 1 of 1,614,130 alleles (0.000062%); highest among the groups gnomAD compares: Non-Finnish European, 0.000085%; no homozygotes.

Submissions (2):

Ambry Genetics
Classification: Uncertain significance for Inborn genetic diseases. Last evaluated: 2025-10-07. Review status: criteria provided, single submitter. Criteria: Ambry Variant Classification Scheme 2023. Collection method: clinical testing. Allele origin: germline.

Labcorp Genetics (formerly Invitae), Labcorp
Classification: Uncertain significance. Last evaluated: 2022-08-10. Review status: criteria provided, single submitter. Criteria: Invitae Variant Classification Sherloc (09022015). Collection method: clinical testing. Allele origin: germline.
Comment: This sequence change replaces histidine, which is basic and polar, with tyrosine, which is neutral and polar, at codon 3720 of the LRP2 protein (p.His3720Tyr). This variant is not present in population databases (gnomAD no frequency). This variant has not been reported in the literature in individuals affected with LRP2-related conditions. ClinVar contains an entry for this variant (Variation ID: 1471693). Advanced modeling of protein sequence and biophysical properties (such as structural, functional, and spatial information, amino acid conservation, physicochemical variation, residue mobility, and thermodynamic stability) performed at Invitae indicates that this missense variant is not expected to disrupt LRP2 protein function. In summary, the available evidence is currently insufficient to determine the role of this variant in disease. Therefore, it has been classified as a Variant of Uncertain Significance.

NM_004525.3(LRP2):c.11158C>T (p.His3720Tyr)

Gene: LRP2 (LDL receptor related protein 2; minus strand). Cytogenetic location: 2q31.1.
Variant type: single nucleotide variant.
Coding change: c.11158C>T on transcript NM_004525.3 (MANE Select); coding-DNA position 11158, C replaced by T.
Protein change: p.His3720Tyr; replaces histidine 3720 with tyrosine.
Molecular consequence: missense variant.
Genome position (GRCh38, 1-based): chr2:169,172,120, G>A on the plus strand (C>T on the coding strand, the complement: LRP2 is on the minus strand). VCF-style: chr2-169172120-G-A. GRCh37 (hg19) VCF-style: chr2-170028630-G-A.
Other names: c.11158C>T (NM_004525.2); short protein forms H3720Y.
Identifiers: ClinVar variation 1471693 (VCV001471693.9), dbSNP rs2105278771, ClinGen allele CA349143097.